The following is an entry in ClinVar:

ClinVar aggregate classification (germline): Uncertain significance (1 of 4 stars; one submission).

Allele frequency attached by ClinVar (database versions not stated): TOPMed below 0.00001.

Submission:

Labcorp Genetics (formerly Invitae), Labcorp
Classification: Uncertain significance. Last evaluated: 2023-05-15. Review status: criteria provided, single submitter. Criteria: Invitae Variant Classification Sherloc (09022015). Collection method: clinical testing. Allele origin: germline.
Comment: In summary, the available evidence is currently insufficient to determine the role of this variant in disease. Therefore, it has been classified as a Variant of Uncertain Significance. Advanced modeling of protein sequence and biophysical properties (such as structural, functional, and spatial information, amino acid conservation, physicochemical variation, residue mobility, and thermodynamic stability) has been performed at Invitae for this missense variant, however the output from this modeling did not meet the statistical confidence thresholds required to predict the impact of this variant on SCN3A protein function. This variant has not been reported in the literature in individuals affected with SCN3A-related conditions. This variant is not present in population databases (gnomAD no frequency). This sequence change replaces glutamic acid, which is acidic and polar, with lysine, which is basic and polar, at codon 498 of the SCN3A protein (p.Glu498Lys).

NM_006922.4(SCN3A):c.1492G>A (p.Glu498Lys)

Gene: SCN3A (sodium voltage-gated channel alpha subunit 3; minus strand). Cytogenetic location: 2q24.3.
Variant type: single nucleotide variant.
Coding change: c.1492G>A on transcript NM_006922.4 (MANE Select); coding-DNA position 1492, G replaced by A.
Protein change: p.Glu498Lys; replaces glutamic acid 498 with lysine.
Molecular consequence: missense variant.
Genome position (GRCh38, 1-based): chr2:165,146,918, C>T on the plus strand (G>A on the coding strand, the complement: SCN3A is on the minus strand). VCF-style: chr2-165146918-C-T. GRCh37 (hg19) VCF-style: chr2-166003428-C-T.
Other names: c.1492G>A, p.Glu498Lys (NM_001081676.2, NM_001081677.2); short protein forms E498K.
Identifiers: ClinVar variation 2864427 (VCV002864427.3), dbSNP rs1389180383, ClinGen allele CA349236641.